The following is an entry in ClinVar:

ClinVar aggregate classification (germline): Uncertain significance (1 of 4 stars; one submission).

gnomAD v4.1: 11 of 1,614,042 alleles (0.00068%); highest among the groups gnomAD compares: Middle Eastern, 0.12%; no homozygotes.

Submission:

Labcorp Genetics (formerly Invitae), Labcorp
Classification: Uncertain significance. Last evaluated: 2023-11-27. Review status: criteria provided, single submitter. Criteria: Invitae Variant Classification Sherloc (09022015). Collection method: clinical testing. Allele origin: germline.
Comment: This sequence change replaces valine, which is neutral and non-polar, with leucine, which is neutral and non-polar, at codon 578 of the CAD protein (p.Val578Leu). This variant is present in population databases (rs778021382, gnomAD 0.003%). This variant has not been reported in the literature in individuals affected with CAD-related conditions. ClinVar contains an entry for this variant (Variation ID: 1400814). Advanced modeling of protein sequence and biophysical properties (such as structural, functional, and spatial information, amino acid conservation, physicochemical variation, residue mobility, and thermodynamic stability) performed at Invitae indicates that this missense variant is not expected to disrupt CAD protein function with a negative predictive value of 80%. In summary, the available evidence is currently insufficient to determine the role of this variant in disease. Therefore, it has been classified as a Variant of Uncertain Significance.

NM_004341.5(CAD):c.1732G>T (p.Val578Leu)

Gene: CAD (carbamoyl-phosphate synthetase 2, aspartate transcarbamylase, and dihydroorotase; plus strand). Cytogenetic location: 2p23.3.
Variant type: single nucleotide variant.
Coding change: c.1732G>T on transcript NM_004341.5 (MANE Select); coding-DNA position 1732, G replaced by T.
Protein change: p.Val578Leu; replaces valine 578 with leucine.
Molecular consequence: missense variant.
Genome position (GRCh38, 1-based): chr2:27,225,816, G>T. VCF-style: chr2-27225816-G-T. GRCh37 (hg19) VCF-style: chr2-27448684-G-T.
Other names: c.1732G>T, p.Val578Leu (NM_001306079.2); short protein forms V578L.
Identifiers: ClinVar variation 1400814 (VCV001400814.6), dbSNP rs778021382, ClinGen allele CA1572814.